The following is an entry in ClinVar:

ClinVar aggregate classification (germline): Pathogenic (1 of 4 stars; one submission).

Submission:

Labcorp Genetics (formerly Invitae), Labcorp
Classification: Pathogenic. Last evaluated: 2022-10-17. Review status: criteria provided, single submitter. Criteria: Invitae Variant Classification Sherloc (09022015). Collection method: clinical testing. Allele origin: germline.
Comment: This sequence change inserts a large fragment of DNA, likely a transposable element, in exon 4 of the ABCA4 gene (c.328_329insSVA), causing a frameshift at codon 110 (p.Gln110fs). The exact size and sequence of the insertion cannot be determined by the current assay. However, the insertion is expected to result in an absent or disrupted protein product. This variant is not present in population databases (gnomAD no frequency). This variant has not been reported in the literature in individuals affected with ABCA4-related conditions. ClinVar contains an entry for this variant (Variation ID: 1072309). Retrotransposon insertions including LINE1 (L1), Alu, and SVA (SINE-VNTR-Alu) have been reported to be disease-causing through disruption of either a coding region or splice site (PMID: 19763152, 20307669, 22406018) and loss-of-function variants in ABCA4 are known to be pathogenic (PMID: 10958761, 24938718, 25312043, 26780318). For these reasons, this variant has been classified as Pathogenic.

Literature cited by the submitters: PubMed 19763152; PubMed 20307669; PubMed 22406018; PubMed 10958761; PubMed 24938718; PubMed 25312043; PubMed 26780318.

NM_000350.3(ABCA4):c.328delinsNNNNNNNNNNNAAAAAAAAAAA (p.Gln110delinsXaaXaaXaaXaaLysLysLysLys)

Gene: ABCA4 (ATP binding cassette subfamily A member 4; minus strand). Cytogenetic location: 1p22.1.
Variant type: Indel.
Coding change: c.328delinsNNNNNNNNNNNAAAAAAAAAAA on transcript NM_000350.3 (MANE Select); coding-DNA position 328, C replaced by NNNNNNNNNNNAAAAAAAAAAA.
Protein change: p.Gln110delinsXaaXaaXaaXaaLysLysLysLys.
Molecular consequence: inframe indel.
Genome position (GRCh38, 1-based): chr1:94,108,691, G replaced by TTTTTTTTTTTNNNNNNNNNNN on the plus strand (C replaced by NNNNNNNNNNNAAAAAAAAAAA on the coding strand, the reverse complement: ABCA4 is on the minus strand). VCF-style: chr1-94108691-G-TTTTTTTTTTTNNNNNNNNNNN. GRCh37 (hg19) VCF-style: chr1-94574247-G-TTTTTTTTTTTNNNNNNNNNNN.
Other names: c.328delCinsNNNNNNNNNNNAAAAAAAAAAA, p.Gln110delinsXaaXaaXaaXaaLysLysLysLys (NM_001425324.1).
Identifiers: ClinVar variation 1072309 (VCV001072309.8), dbSNP rs2101156061.